The following is an entry in ClinVar:

ClinVar aggregate classification (germline): Uncertain significance (1 of 4 stars; one submission).

Conditions:
Cornelia de Lange syndrome 1 (CDLS1). Also called: TYPUS DEGENERATIVUS AMSTELODAMENSIS; Brachmann de Lange syndrome; NIPBL-Related Cornelia de Lange Syndrome. Identifiers: Orphanet 199, MedGen C4551851, MONDO:0007387, OMIM 122470.

Submission:

Labcorp Genetics (formerly Invitae), Labcorp
Classification: Uncertain significance for Cornelia de Lange syndrome 1. Last evaluated: 2024-02-02. Review status: criteria provided, single submitter. Criteria: Invitae Variant Classification Sherloc (09022015). Collection method: clinical testing. Allele origin: germline.
Comment: This sequence change replaces proline, which is neutral and non-polar, with serine, which is neutral and polar, at codon 703 of the NIPBL protein (p.Pro703Ser). This variant is not present in population databases (gnomAD no frequency). This variant has not been reported in the literature in individuals affected with NIPBL-related conditions. Advanced modeling of protein sequence and biophysical properties (such as structural, functional, and spatial information, amino acid conservation, physicochemical variation, residue mobility, and thermodynamic stability) has been performed at Invitae for this missense variant, however the output from this modeling did not meet the statistical confidence thresholds required to predict the impact of this variant on NIPBL protein function. In summary, the available evidence is currently insufficient to determine the role of this variant in disease. Therefore, it has been classified as a Variant of Uncertain Significance.

NM_133433.4(NIPBL):c.2107C>T (p.Pro703Ser)

Gene: NIPBL (NIPBL cohesin loading factor; plus strand). Cytogenetic location: 5p13.2.
Variant type: single nucleotide variant.
Coding change: c.2107C>T on transcript NM_133433.4 (MANE Select); coding-DNA position 2107, C replaced by T.
Protein change: p.Pro703Ser; replaces proline 703 with serine.
Molecular consequence: missense variant.
Genome position (GRCh38, 1-based): chr5:36,985,287, C>T. VCF-style: chr5-36985287-C-T. GRCh37 (hg19) VCF-style: chr5-36985389-C-T.
Other names: c.2107C>T, p.Pro703Ser (NM_015384.5); short protein forms P703S.
Identifiers: ClinVar variation 3694958 (VCV003694958.2).